The following is an entry in ClinVar:

NM_014140.4(SMARCAL1):c.236C>T (p.Ser79Leu)

Gene: SMARCAL1 (SNF2 related chromatin remodeling annealing helicase 1; plus strand). Cytogenetic location: 2q35.
Variant type: single nucleotide variant.
Coding change: c.236C>T on transcript NM_014140.4 (MANE Select); coding-DNA position 236, C replaced by T.
Protein change: p.Ser79Leu; replaces serine 79 with leucine.
Molecular consequence: missense variant.
Genome position (GRCh38, 1-based): chr2:216,414,940, C>T. VCF-style: chr2-216414940-C-T. GRCh37 (hg19) VCF-style: chr2-217279663-C-T.
Other names: c.236C>T, p.Ser79Leu (NM_001127207.2); short protein forms S79L.
Identifiers: ClinVar variation 935216 (VCV000935216.11), dbSNP rs1346269253, ClinGen allele CA350496849.
Genomic context (GRCh38, chr2:216,414,940, plus strand): 5'-GGGAGTCTTGTAAGCCAGTGAGCCATGGTGTCATTTTCAAGCAACAGAATCTCAGTAGCT[C>T]ATCTAATGCTGACCAAAGACCTCATGATTCCCACAGTTTTCAGGCAAAGGGAATATGGAA-3'
Protein context (NP_054859.2, residues 69-89): VIFKQQNLSS[Ser79Leu]SNADQRPHDS

ClinVar aggregate classification (germline): Uncertain significance. Review status: criteria provided, single submitter (1 of 4 stars). 2 submissions from 2 submitters: Uncertain significance (1). 1 of the submissions does not count toward it. Last evaluated 2025-12-22.

Conditions:
Schimke immuno-osseous dysplasia (SIOD). Also called: Schimke Immunoosseous Dysplasia. Identifiers: Orphanet 1830, MedGen C0877024, MONDO:0009458, OMIM 242900.

Allele frequency attached by ClinVar (database versions not stated): gnomAD exomes below 0.00001; TOPMed below 0.00001; gnomAD 0.00001.
gnomAD v4.1: 2 of 1,614,072 alleles (0.00012%); highest among the groups gnomAD compares: East Asian, 0.0022%; no homozygotes.

Submissions (2):

Labcorp Genetics (formerly Invitae), Labcorp
Classification: Uncertain significance for Schimke immuno-osseous dysplasia. Last evaluated: 2025-12-22. Review status: criteria provided, single submitter. Criteria: Invitae Variant Classification Sherloc (09022015). Collection method: clinical testing. Allele origin: germline.
Comment: This sequence change replaces serine, which is neutral and polar, with leucine, which is neutral and non-polar, at codon 79 of the SMARCAL1 protein (p.Ser79Leu). This variant is not present in population databases (gnomAD no frequency). This variant has not been reported in the literature in individuals affected with SMARCAL1-related conditions. ClinVar contains an entry for this variant (Variation ID: 935216). Invitae Evidence Modeling of protein sequence and biophysical properties (such as structural, functional, and spatial information, amino acid conservation, physicochemical variation, residue mobility, and thermodynamic stability) indicates that this missense variant is not expected to disrupt SMARCAL1 protein function with a negative predictive value of 95%. In summary, the available evidence is currently insufficient to determine the role of this variant in disease. Therefore, it has been classified as a Variant of Uncertain Significance.

Natera, Inc.
Classification: Uncertain significance for Schimke immuno-osseous dysplasia. Last evaluated: 2020-02-13. Review status: no assertion criteria provided. Collection method: clinical testing. Allele origin: germline. Not counted in ClinVar's aggregate classification.